The following is an entry in ClinVar:

ClinVar aggregate classification (germline): Uncertain significance (1 of 4 stars; one submission).

Conditions:
DROSHA-related disorder. Also called: DROSHA-related condition.

Allele frequency attached by ClinVar (database versions not stated): gnomAD exomes below 0.00001; TOPMed below 0.00001.
gnomAD v4.1: 6 of 1,612,220 alleles (0.00037%); highest among the groups gnomAD compares: Non-Finnish European, 0.00051%; no homozygotes.

Submission:

PreventionGenetics, part of Exact Sciences
Classification: Uncertain significance for DROSHA-related condition. Last evaluated: 2023-05-09. Review status: criteria provided, single submitter. Criteria: ACMG Guidelines, 2015. Collection method: clinical testing. Allele origin: germline.
Comment: The DROSHA c.119G>C variant is predicted to result in the amino acid substitution p.Arg40Thr. To our knowledge, this variant has not been reported in the literature. This variant is reported in 0.00089% of alleles in individuals of European (Non-Finnish) descent in gnomAD. At this time, the clinical significance of this variant is uncertain due to the absence of conclusive functional and genetic evidence.

NM_001382508.1(DROSHA):c.119G>C (p.Arg40Thr)

Gene: DROSHA (drosha ribonuclease III; minus strand). Cytogenetic location: 5p13.3.
Variant type: single nucleotide variant.
Coding change: c.119G>C on transcript NM_001382508.1 (MANE Select); coding-DNA position 119, G replaced by C.
Protein change: p.Arg40Thr; replaces arginine 40 with threonine.
Molecular consequence: missense variant.
Genome position (GRCh38, 1-based): chr5:31,526,814, C>G on the plus strand (G>C on the coding strand, the complement: DROSHA is on the minus strand). VCF-style: chr5-31526814-C-G. GRCh37 (hg19) VCF-style: chr5-31526921-C-G.
Other names: c.119G>C, p.Arg40Thr (NM_001100412.2, NM_013235.5); short protein forms R40T.
Identifiers: ClinVar variation 2633311 (VCV002633311.1), dbSNP rs1384020854, ClinGen allele CA359330686.